The following is an entry in ClinVar:

ClinVar aggregate classification (germline): Pathogenic/Likely pathogenic. Review status: criteria provided, multiple submitters, no conflicts (2 of 4 stars). 3 submissions from 3 submitters: Pathogenic (1); Likely pathogenic (1). 1 of the submissions does not count toward it. Last evaluated 2025-05-12.

Conditions:
Neuromuscular disease caused by qualitative or quantitative defects of dysferlin. Also called: Dysferlinopathy; Qualitative or quantitative defects of dysferlin. Identifiers: Orphanet 207073, MedGen C2931687, MONDO:0016145.
Autosomal recessive limb-girdle muscular dystrophy type 2B (LGMDR2). Also called: MUSCULAR DYSTROPHY, LIMB-GIRDLE, TYPE 3; MUSCULAR DYSTROPHY, LIMB-GIRDLE, AUTOSOMAL RECESSIVE 2; Limb-girdle muscular dystrophy, type 2B; Limb-Girdle Muscular Dystrophy Type 2B (LGMD2B). Identifiers: Orphanet 268, MedGen C1850889, MONDO:0009676, OMIM 253601.
Muscular dystrophy. Identifiers: Orphanet 98473, MedGen C0026850, MeSH D009136, MONDO:0020121, HP:0003560.

Allele frequency attached by ClinVar (database versions not stated): gnomAD exomes below 0.00001; TOPMed below 0.00001; gnomAD 0.00001.
gnomAD v4.1: 3 of 1,613,200 alleles (0.00019%); highest among the groups gnomAD compares: Non-Finnish European, 0.00025%; no homozygotes.

Submissions (3):

Natera, Inc.
Classification: Likely pathogenic for Limb-girdle muscular dystrophy type 2B. Last evaluated: 2025-05-12. Review status: criteria provided, single submitter. Criteria: Natera Variant Classification Schema (03/2026). Collection method: clinical testing. Allele origin: germline.
Comment: The c.3877C>T variant in DYSF is a nonsense variant predicted to introduce a stop codon at amino acid 1293. This variant is expected to result in nonsense mediated decay, truncation, or a dysfunctional protein product. This variant is rare in the general population with a frequency below the threshold expected for the associated phenotype(s). Given the available evidence, this variant is classified as Likely Pathogenic.

Labcorp Genetics (formerly Invitae), Labcorp
Classification: Pathogenic for Neuromuscular disease caused by qualitative or quantitative defects of dysferlin. Last evaluated: 2023-07-25. Review status: criteria provided, single submitter. Criteria: Invitae Variant Classification Sherloc (09022015). Collection method: clinical testing. Allele origin: germline.
Comment: ClinVar contains an entry for this variant (Variation ID: 1321153). This variant is present in population databases (no rsID available, gnomAD 0.007%). This variant has not been reported in the literature in individuals affected with DYSF-related conditions. For these reasons, this variant has been classified as Pathogenic. Algorithms developed to predict the effect of sequence changes on RNA splicing suggest that this variant may disrupt the consensus splice site. This sequence change creates a premature translational stop signal (p.Gln1293*) in the DYSF gene. It is expected to result in an absent or disrupted protein product. Loss-of-function variants in DYSF are known to be pathogenic (PMID: 17698709, 20301480).

Institute of Human Genetics, University of Wuerzburg
Classification: Likely pathogenic for Muscular dystrophy. Review status: no assertion criteria provided. Collection method: clinical testing. Allele origin: unknown. Not counted in ClinVar's aggregate classification.

Literature cited by the submitters: PubMed 17698709 (cited by Labcorp Genetics (formerly Invitae), Labcorp); PubMed 20301480 (cited by Labcorp Genetics (formerly Invitae), Labcorp).

NM_001130987.2(DYSF):c.3931C>T (p.Gln1311Ter)

Genes: DYSF (dysferlin; plus strand), LOC122787137 (CDK7 strongly-dependent group 2 enhancer GRCh37_chr2:71829831-71831030; plus strand). Cytogenetic location: 2p13.2.
Variant type: single nucleotide variant.
Coding change: c.3931C>T on transcript NM_001130987.2 (MANE Select); coding-DNA position 3931, C replaced by T.
Protein change: p.Gln1311Ter; replaces glutamine 1311 with a stop codon.
Molecular consequence: nonsense.
Genome position (GRCh38, 1-based): chr2:71,602,779, C>T. VCF-style: chr2-71602779-C-T. GRCh37 (hg19) VCF-style: chr2-71829909-C-T.
Other names: c.3880C>T, p.Gln1294Ter (NM_001130455.2, NM_001130983.2); c.3835C>T, p.Gln1279Ter (NM_001130976.2, NM_001130977.2); c.3877C>T, p.Gln1293Ter (NM_001130978.2, NM_003494.4); c.3970C>T, p.Gln1324Ter (NM_001130979.2); c.3928C>T, p.Gln1310Ter (NM_001130980.2, NM_001130981.2); c.3973C>T, p.Gln1325Ter (NM_001130982.2); c.3838C>T, p.Gln1280Ter (NM_001130984.2, NM_001130986.2); c.3931C>T, p.Gln1311Ter (NM_001130985.2); and 1 more; short protein forms Q1279*, Q1280*, Q1293*, Q1294*, Q1310*, Q1311*, Q1324*, Q1325*.
Identifiers: ClinVar variation 1321153 (VCV001321153.9), dbSNP rs1324430830, ClinGen allele CA347226559.
Genomic context (GRCh38, chr2:71,602,779, plus strand): 5'-CCTTCCAACCCCTCTCACCATCTCCTGGATGTGCCACATCCCATGGCTGTGGGCCAGGTG[C>T]AGGAGACATCAAGGATCCTGGATGAGGTGAGCTGGGCGTGGTGGTTGGGATGGGTGGGCC-3'